The following is an entry in ClinVar:

ClinVar aggregate classification (germline): Uncertain significance (1 of 4 stars; one submission).

Conditions:
Anauxetic dysplasia. Identifiers: Orphanet 93347, MedGen C1846796, MONDO:0011773.

gnomAD v4.1: 1 of 693,938 alleles (0.00014%); highest among the groups gnomAD compares: African/African-American, 0.0019%; no homozygotes.

Submission:

Labcorp Genetics (formerly Invitae), Labcorp
Classification: Uncertain significance for Anauxetic dysplasia. Last evaluated: 2025-09-07. Review status: criteria provided, single submitter. Criteria: Invitae Variant Classification Sherloc (09022015). Collection method: clinical testing. Allele origin: germline.
Comment: This variant occurs in the RMRP gene, which encodes an RNA molecule that does not result in a protein product. This variant is not present in population databases (gnomAD no frequency). This variant has not been reported in the literature in individuals affected with RMRP-related conditions. Experimental studies and prediction algorithms are not available or were not evaluated, and the functional significance of this variant is currently unknown. In summary, the available evidence is currently insufficient to determine the role of this variant in disease. Therefore, it has been classified as a Variant of Uncertain Significance.

NR_003051.4(RMRP):n.165G>T

Gene: RMRP (RNA component of mitochondrial RNA processing endoribonuclease; minus strand). Cytogenetic location: 9p13.3.
Variant type: single nucleotide variant.
Molecular consequence: non-coding transcript variant (on NR_003051.4).
Genome position: GRCh38 VCF-style: chr9-35657855-C-A. GRCh37 (hg19) VCF-style: chr9-35657852-C-A.
Identifiers: ClinVar variation 4779633 (VCV004779633.1).